The following is an entry in ClinVar:

ClinVar aggregate classification (germline): Likely pathogenic. Review status: criteria provided, single submitter (1 of 4 stars). 2 submissions from 2 submitters: Likely pathogenic (1). 1 of the submissions does not count toward it. Last evaluated 2022-12-06.

Conditions:
Global developmental delay (DD). Also called: Cognitive delay. Identifiers: MedGen C0557874, HP:0001263. Disease mechanism: loss of function.
Intellectual disability. Also called: Intellectual functioning disability; intellectual disabilities; Intellectual developmental disorder. Identifiers: MedGen C3714756, MeSH D008607, MONDO:0001071, HP:0001249.
Delayed speech and language development. Also called: Language delay. Identifiers: MedGen C0454644, HP:0000750.
Neurodevelopmental disorder with language delay and variable cognitive abnormalities (NEDLC). Identifiers: MedGen C5882689, MONDO:0957779, OMIM 620502.

Submissions (2):

Institute of Human Genetics, University of Leipzig Medical Center
Classification: Likely pathogenic for Delayed speech and language development; Intellectual disability; Global developmental delay. Last evaluated: 2022-12-06. Review status: criteria provided, single submitter. Criteria: ACMG Guidelines, 2015. Collection method: research. Allele origin: de novo. Affected: yes.
Comment: This variant was identified as de novo (maternity and paternity confirmed)._x000D_

OMIM
Classification: Pathogenic for NEURODEVELOPMENTAL DISORDER WITH LANGUAGE DELAY AND VARIABLE COGNITIVE ABNORMALITIES. Last evaluated: 2023-09-11. Review status: no assertion criteria provided. Collection method: literature only. Allele origin: germline. Not counted in ClinVar's aggregate classification.

Literature cited by the submitters: PubMed 36103875 (cited by Institute of Human Genetics, University of Leipzig Medical Center); Cediel, M. L., Stawarski, M., Blanc, X., Noskova, L., Magner, M., Platzer, K., Gburek-Augustat, J., Baldridge, D., Constantino, J. N., Ranza, E., Bettler, B., Antonarakis, S. E. GABBR1 monoallelic de novo variants linked to neurodevelopmental delay and epilepsy. Am. J. Hum. Genet. 109: 1885-1893, 2022. (cited by OMIM).

NM_001470.4(GABBR1):c.2018G>A (p.Gly673Asp)

Gene: GABBR1 (gamma-aminobutyric acid type B receptor subunit 1; minus strand). Cytogenetic location: 6p22.1.
Variant type: single nucleotide variant.
Coding change: c.2018G>A on transcript NM_001470.4 (MANE Select); coding-DNA position 2018, G replaced by A.
Protein change: p.Gly673Asp; replaces glycine 673 with aspartic acid.
Molecular consequence: missense variant.
Genome position (GRCh38, 1-based): chr6:29,607,193, C>T on the plus strand (G>A on the coding strand, the complement: GABBR1 is on the minus strand). VCF-style: chr6-29607193-C-T. GRCh37 (hg19) VCF-style: chr6-29574970-C-T.
Other names: c.1487G>A, p.Gly496Asp (NM_001319053.2); c.1667G>A, p.Gly556Asp (NM_021903.3); c.1832G>A, p.Gly611Asp (NM_021904.4); short protein forms G496D, G556D, G611D, G673D.
Identifiers: ClinVar variation 1804154 (VCV001804154.1), dbSNP rs2482764108, ClinGen allele CA363032541.